The following is an entry in ClinVar:

NM_004046.6(ATP5F1A):c.565A>G (p.Met189Val)

Gene: ATP5F1A (ATP synthase F1 subunit alpha; minus strand). Cytogenetic location: 18q21.1.
Variant type: single nucleotide variant.
Coding change: c.565A>G on transcript NM_004046.6 (MANE Select); coding-DNA position 565, A replaced by G.
Protein change: p.Met189Val; replaces methionine 189 with valine.
Molecular consequence: missense variant.
Genome position (GRCh38, 1-based): chr18:46,089,651, T>C on the plus strand (A>G on the coding strand, the complement: ATP5F1A is on the minus strand). VCF-style: chr18-46089651-T-C. GRCh37 (hg19) VCF-style: chr18-43669617-T-C.
Other names: c.415A>G, p.Met139Val (NM_001001935.3, NM_001257335.2); c.565A>G, p.Met189Val (NM_001001937.2); c.499A>G, p.Met167Val (NM_001257334.2); short protein forms M167V, M189V, M139V.
Identifiers: ClinVar variation 3696121 (VCV003696121.2).
Genomic context (GRCh38, chr18:46,089,651, plus strand): 5'-GTTCACGCTGACCACGACCAATTGGCACCAAGCTATCCACAGCCTTAATGCCAGTCTGCA[T>C]TGGTTCCCGCACTGAAATTCGAGGAATGATACCGGGGGCTTTCAGACCAACTCGCCTACG-3'
Protein context (NP_004037.1, residues 179-199): IIPRISVREP[Met189Val]QTGIKAVDSL

ClinVar aggregate classification (germline): Uncertain significance (1 of 4 stars; one submission).

Submission:

Labcorp Genetics (formerly Invitae), Labcorp
Classification: Uncertain significance. Last evaluated: 2024-09-13. Review status: criteria provided, single submitter. Criteria: Invitae Variant Classification Sherloc (09022015). Collection method: clinical testing. Allele origin: germline.
Comment: This sequence change replaces methionine, which is neutral and non-polar, with valine, which is neutral and non-polar, at codon 189 of the ATP5A1 protein (p.Met189Val). This variant is not present in population databases (gnomAD no frequency). This variant has not been reported in the literature in individuals affected with ATP5A1-related conditions. Invitae Evidence Modeling of protein sequence and biophysical properties (such as structural, functional, and spatial information, amino acid conservation, physicochemical variation, residue mobility, and thermodynamic stability) indicates that this missense variant is not expected to disrupt ATP5A1 protein function with a negative predictive value of 80%. In summary, the available evidence is currently insufficient to determine the role of this variant in disease. Therefore, it has been classified as a Variant of Uncertain Significance.